The following is an entry in ClinVar:

ClinVar aggregate classification (germline): Benign/Likely benign. Review status: criteria provided, multiple submitters, no conflicts (2 of 4 stars). 7 submissions from 7 submitters: Benign (3); Likely benign (3). 1 of the submissions does not count toward it. Last evaluated 2026-01-28.

Conditions:
NEXMIF-related disorder. Also called: NEXMIF-related condition.

Allele frequency attached by ClinVar (database versions not stated): 1000 Genomes Project 30x 0.00021; 1000 Genomes Project 0.00026; gnomAD 0.00053 and 0.00055; TOPMed 0.00058; gnomAD exomes 0.00061 and 0.00113; ExAC 0.00096; ESP Exome Variant Server 0.00114.
gnomAD v4.1: 1,257 of 1,198,042 alleles (0.1%); highest among the groups gnomAD compares: Non-Finnish European, 0.14%; no homozygotes.

Submissions (7):

Labcorp Genetics (formerly Invitae), Labcorp
Classification: Benign. Last evaluated: 2026-01-28. Review status: criteria provided, single submitter. Criteria: Invitae Variant Classification Sherloc (09022015). Collection method: clinical testing. Allele origin: germline.

Blueprint Genetics
Classification: Likely benign. Last evaluated: 2024-11-11. Review status: criteria provided, single submitter. Criteria: ACMG Guidelines, 2015. Collection method: clinical testing. Allele origin: germline.

CeGaT Center for Human Genetics Tuebingen
Classification: Likely benign. Last evaluated: 2024-03-01. Review status: criteria provided, single submitter. Criteria: CeGaT Center For Human Genetics Tuebingen Variant Classification Criteria Version 2. Collection method: clinical testing. Allele origin: germline. Affected: yes. Observed: 3 variant alleles.
Comment: NEXMIF: BP4, BS2

GeneDx
Classification: Benign. Last evaluated: 2019-09-25. Review status: criteria provided, single submitter. Criteria: GeneDx Variant Classification Process June 2021. Collection method: clinical testing. Allele origin: germline. Affected: yes.

Ambry Genetics
Classification: Benign. Last evaluated: 2017-10-20. Review status: criteria provided, single submitter. Criteria: Ambry Variant Classification Scheme 2023. Collection method: clinical testing. Allele origin: germline.

Genetic Services Laboratory, University of Chicago
Classification: Likely benign. Last evaluated: 2015-12-17. Review status: criteria provided, single submitter. Criteria: ACMG Guidelines, 2015. Collection method: clinical testing. Allele origin: germline. Affected: no.

PreventionGenetics, part of Exact Sciences
Classification: Likely benign for NEXMIF-related condition. Last evaluated: 2019-09-10. Review status: no assertion criteria provided. Collection method: clinical testing. Allele origin: germline. Not counted in ClinVar's aggregate classification.
Comment: This variant is classified as likely benign based on ACMG/AMP sequence variant interpretation guidelines (Richards et al. 2015 PMID: 25741868, with internal and published modifications).

NM_001008537.3(NEXMIF):c.4509T>C (p.Pro1503=)

Gene: NEXMIF (neurite extension and migration factor; minus strand). Cytogenetic location: Xq13.3.
Variant type: single nucleotide variant.
Coding change: c.4509T>C on transcript NM_001008537.3 (MANE Select); coding-DNA position 4509, T replaced by C.
Protein change: p.Pro1503=; no amino-acid change (proline 1503 retained).
Molecular consequence: synonymous variant.
Genome position (GRCh38, 1-based): chrX:74,739,447, A>G on the plus strand (T>C on the coding strand, the complement: NEXMIF is on the minus strand). VCF-style: chrX-74739447-A-G. GRCh37 (hg19) VCF-style: chrX-73959282-A-G.
Identifiers: ClinVar variation 211270 (VCV000211270.44), dbSNP rs41303725, ClinGen allele CA209332.
Genomic context (GRCh38, chrX:74,739,447, plus strand): 5'-AGAAATAAAACACAAACATCAAATGTCTTTCTGGAAAATGCGAGTCTCTTCTTCAAACAC[A>G]GGTAAAACCCAAAAGGTTGTTTCTGCTTTTAGGAGATTGTAGTCGGAATCCCTGCAGAAA-3'
Protein context (NP_001008537.1, residues 1493-1513): LKAETTFWVL[Pro1503=]VFEEETRIFQ